The following is an entry in ClinVar:

NM_182914.3(SYNE2):c.7439G>T (p.Cys2480Phe)

Gene: SYNE2 (spectrin repeat containing nuclear envelope protein 2; plus strand). Cytogenetic location: 14q23.2.
Variant type: single nucleotide variant.
Coding change: c.7439G>T on transcript NM_182914.3 (MANE Select); coding-DNA position 7439, G replaced by T.
Protein change: p.Cys2480Phe; replaces cysteine 2480 with phenylalanine.
Molecular consequence: missense variant.
Genome position (GRCh38, 1-based): chr14:64,049,672, G>T. VCF-style: chr14-64049672-G-T. GRCh37 (hg19) VCF-style: chr14-64516390-G-T.
Other names: c.7439G>T, p.Cys2480Phe (NM_015180.6); short protein forms C2480F.
Identifiers: ClinVar variation 3677493 (VCV003677493.2).

ClinVar aggregate classification (germline): Uncertain significance (1 of 4 stars; one submission).

Conditions:
Emery-Dreifuss muscular dystrophy 5, autosomal dominant (EDMD5). Also called: EMERY-DREIFUSS MUSCULAR DYSTROPHY 5. Identifiers: Orphanet 261, MedGen C2751805, MONDO:0013072, OMIM 612999.

Submission:

Labcorp Genetics (formerly Invitae), Labcorp
Classification: Uncertain significance for Emery-Dreifuss muscular dystrophy 5, autosomal dominant. Last evaluated: 2024-11-09. Review status: criteria provided, single submitter. Criteria: Invitae Variant Classification Sherloc (09022015). Collection method: clinical testing. Allele origin: germline.
Comment: This sequence change replaces cysteine, which is neutral and slightly polar, with phenylalanine, which is neutral and non-polar, at codon 2480 of the SYNE2 protein (p.Cys2480Phe). This variant is not present in population databases (gnomAD no frequency). This variant has not been reported in the literature in individuals affected with SYNE2-related conditions. An algorithm developed to predict the effect of missense changes on protein structure and function outputs the following: PolyPhen-2: "Benign". The phenylalanine amino acid residue is found in multiple mammalian species, which suggests that this missense change does not adversely affect protein function. In summary, the available evidence is currently insufficient to determine the role of this variant in disease. Therefore, it has been classified as a Variant of Uncertain Significance.